The following is an entry in ClinVar:

NM_001164508.2(NEB):c.8138dup (p.Asn2713fs)

Gene: NEB (nebulin; minus strand). Cytogenetic location: 2q23.3.
Variant type: Duplication.
Coding change: c.8138dup on transcript NM_001164508.2 (MANE Select); coding-DNA position 8138, one base duplicated (A; older notation c.8138dupA).
Protein change: p.Asn2713fs; shifts the reading frame from asparagine 2713.
Molecular consequence: frameshift variant.
Genome position (GRCh38, 1-based): chr2:151,643,172, T duplicated on the plus strand (A on the coding strand, the reverse complement: NEB is on the minus strand); the first of 6 consecutive T bases (chr2:151,643,172-151,643,177); duplicating any one gives the same sequence. VCF-style (leftmost placement, unchanged base first): chr2-151643171-G-GT. GRCh37 (hg19) VCF-style: chr2-152499685-G-GT.
Other names: c.8138dup (NM_001271208.1); c.8138dup, p.Asn2713fs (NM_001164507.2, NM_001271208.2, NM_004543.5); short protein forms N2713fs.
Identifiers: ClinVar variation 3239896 (VCV003239896.2), dbSNP rs2098907339.

ClinVar aggregate classification (germline): Likely pathogenic. Review status: criteria provided, multiple submitters, no conflicts (2 of 4 stars). 2 submissions from 2 submitters: Likely pathogenic (2). Last evaluated 2024-10-03.

Conditions:
Arthrogryposis multiplex congenita 6. Identifiers: MedGen C5543431, MONDO:0030281, OMIM 619334.
Nemaline myopathy 2 (NEM2). Also called: Nemaline myopathy 2, autosomal recessive. Identifiers: MedGen C1850569, MONDO:0009725, OMIM 256030.

Submissions (2):

Natera, Inc.
Classification: Likely pathogenic for Nemaline myopathy type 2. Last evaluated: 2024-10-03. Review status: criteria provided, single submitter. Criteria: Natera Variant Classification Schema (03/2026). Collection method: clinical testing. Allele origin: germline.
Comment: The c.8138dup variant in NEB is a frameshift variant predicted to shift the reading frame beginning at codon 2713 and leads to a stop codon 17 codons downstream. This variant is expected to result in nonsense mediated decay, truncation, or a dysfunctional protein product. This variant is rare in the general population with a frequency below the threshold expected for the associated phenotype(s). Given the available evidence, this variant is classified as Likely Pathogenic.

Baylor Genetics
Classification: Likely pathogenic for Arthrogryposis multiplex congenita 6. Last evaluated: 2023-12-24. Review status: criteria provided, single submitter. Criteria: ACMG Guidelines, 2015. Collection method: clinical testing. Allele origin: unknown.